The following is an entry in ClinVar:

NM_000211.5(ITGB2):c.767C>T (p.Thr256Met)

Gene: ITGB2 (integrin subunit beta 2; minus strand). Cytogenetic location: 21q22.3.
Variant type: single nucleotide variant.
Coding change: c.767C>T on transcript NM_000211.5 (MANE Select); coding-DNA position 767, C replaced by T.
Protein change: p.Thr256Met; replaces threonine 256 with methionine.
Molecular consequence: missense variant.
Genome position (GRCh38, 1-based): chr21:44,900,450, G>A on the plus strand (C>T on the coding strand, the complement: ITGB2 is on the minus strand). VCF-style: chr21-44900450-G-A. GRCh37 (hg19) VCF-style: chr21-46320365-G-A.
Other names: c.767C>T, p.Thr256Met (NM_001127491.3); c.560C>T, p.Thr187Met (NM_001303238.2); short protein forms T187M, T256M.
Identifiers: ClinVar variation 1403458 (VCV001403458.6), dbSNP rs756545465, ClinGen allele CA10063067.

ClinVar aggregate classification (germline): Uncertain significance (1 of 4 stars; one submission).

Conditions:
Leukocyte adhesion deficiency 1 (LAD1). Also called: LAD 1; Lymphocyte function-associated antigen 1 immunodeficiency; LFA 1 immunodeficiency; LEUKOCYTE ADHESION DEFICIENCY, TYPE I. Identifiers: Orphanet 2968, Orphanet 99842, MedGen C0398738, MONDO:0007293, OMIM 116920.

Allele frequency attached by ClinVar (database versions not stated): gnomAD exomes 0.00004; ExAC 0.00005; gnomAD 0.00005; TOPMed 0.00008.
gnomAD v4.1: 89 of 1,613,852 alleles (0.0055%); highest among the groups gnomAD compares: African/African-American, 0.012%; no homozygotes.

Submission:

Labcorp Genetics (formerly Invitae), Labcorp
Classification: Uncertain significance for Leukocyte adhesion deficiency 1. Last evaluated: 2023-04-11. Review status: criteria provided, single submitter. Criteria: Invitae Variant Classification Sherloc (09022015). Collection method: clinical testing. Allele origin: germline.
Comment: In summary, the available evidence is currently insufficient to determine the role of this variant in disease. Therefore, it has been classified as a Variant of Uncertain Significance. Advanced modeling of protein sequence and biophysical properties (such as structural, functional, and spatial information, amino acid conservation, physicochemical variation, residue mobility, and thermodynamic stability) has been performed at Invitae for this missense variant, however the output from this modeling did not meet the statistical confidence thresholds required to predict the impact of this variant on ITGB2 protein function. ClinVar contains an entry for this variant (Variation ID: 1403458). This variant has not been reported in the literature in individuals affected with ITGB2-related conditions. This variant is present in population databases (rs756545465, gnomAD 0.02%). This sequence change replaces threonine, which is neutral and polar, with methionine, which is neutral and non-polar, at codon 256 of the ITGB2 protein (p.Thr256Met).